The following is an entry in ClinVar:

NM_015156.4(RCOR1):c.824T>C (p.Ile275Thr)

Gene: RCOR1 (REST corepressor 1; plus strand). Cytogenetic location: 14q32.32.
Variant type: single nucleotide variant.
Coding change: c.824T>C on transcript NM_015156.4 (MANE Select); coding-DNA position 824, T replaced by C.
Protein change: p.Ile275Thr; replaces isoleucine 275 with threonine.
Molecular consequence: missense variant.
Genome position (GRCh38, 1-based): chr14:102,710,979, T>C. VCF-style: chr14-102710979-T-C. GRCh37 (hg19) VCF-style: chr14-103177316-T-C.
Other names: short protein forms I275T.
Identifiers: ClinVar variation 4709141 (VCV004709141.1).

ClinVar aggregate classification (germline): Uncertain significance (1 of 4 stars; one submission).

gnomAD v4.1: 8 of 1,608,542 alleles (0.0005%); highest among the groups gnomAD compares: Middle Eastern, 0.017%; no homozygotes.

Submission:

Labcorp Genetics (formerly Invitae), Labcorp
Classification: Uncertain significance. Last evaluated: 2025-10-19. Review status: criteria provided, single submitter. Criteria: Invitae Variant Classification Sherloc (09022015). Collection method: clinical testing. Allele origin: germline.
Comment: This sequence change replaces isoleucine, which is neutral and non-polar, with threonine, which is neutral and polar, at codon 275 of the RCOR1 protein (p.Ile275Thr). This variant is present in population databases (rs763969209, gnomAD 0.002%). This variant has not been reported in the literature in individuals affected with RCOR1-related conditions. An algorithm developed to predict the effect of missense changes on protein structure and function (PolyPhen-2) suggests that this variant is likely to be tolerated. In summary, the available evidence is currently insufficient to determine the role of this variant in disease. Therefore, it has been classified as a Variant of Uncertain Significance.